The following is an entry in ClinVar:

ClinVar aggregate classification (germline): Uncertain significance. Review status: criteria provided, multiple submitters, no conflicts (2 of 4 stars). 5 submissions from 5 submitters: Uncertain significance (5). Last evaluated 2025-03-24.

Conditions:
Oligodontia-cancer predisposition syndrome. Also called: TOOTH AGENESIS-COLORECTAL CANCER SYNDROME. Identifiers: Orphanet 300576, MedGen C1837750, MONDO:0012075, OMIM 608615. Disease mechanism: loss of function.
Colorectal cancer. Also called: Colorectal cancer, somatic; Malignant Colorectal Neoplasm. Identifiers: MedGen C0346629, MONDO:0005575, OMIM 114500.
Hereditary cancer-predisposing syndrome. Also called: Hereditary neoplastic syndrome; Neoplastic Syndromes, Hereditary; Tumor predisposition; Hereditary Cancer Syndrome. Identifiers: Orphanet 140162, MedGen C0027672, MeSH D009386, MONDO:0015356.

Allele frequency attached by ClinVar (database versions not stated): gnomAD exomes below 0.00001; TOPMed below 0.00001; ExAC 0.00001.

Submissions (5):

Labcorp Genetics (formerly Invitae), Labcorp
Classification: Uncertain significance for Oligodontia-cancer predisposition syndrome. Last evaluated: 2025-03-24. Review status: criteria provided, single submitter. Criteria: Invitae Variant Classification Sherloc (09022015). Collection method: clinical testing. Allele origin: germline.
Comment: This sequence change replaces arginine, which is basic and polar, with cysteine, which is neutral and slightly polar, at codon 357 of the AXIN2 protein (p.Arg357Cys). The frequency data for this variant in the population databases is considered unreliable, as metrics indicate poor data quality at this position in the gnomAD database. This variant has not been reported in the literature in individuals affected with AXIN2-related conditions. ClinVar contains an entry for this variant (Variation ID: 533211). Invitae Evidence Modeling of protein sequence and biophysical properties (such as structural, functional, and spatial information, amino acid conservation, physicochemical variation, residue mobility, and thermodynamic stability) indicates that this missense variant is not expected to disrupt AXIN2 protein function with a negative predictive value of 80%. In summary, the available evidence is currently insufficient to determine the role of this variant in disease. Therefore, it has been classified as a Variant of Uncertain Significance.

Ambry Genetics
Classification: Uncertain significance for Hereditary cancer-predisposing syndrome. Last evaluated: 2024-02-11. Review status: criteria provided, single submitter. Criteria: Ambry Variant Classification Scheme 2023. Collection method: clinical testing. Allele origin: germline.
Comment: The p.R357C variant (also known as c.1069C>T), located in coding exon 4 of the AXIN2 gene, results from a C to T substitution at nucleotide position 1069. The arginine at codon 357 is replaced by cysteine, an amino acid with highly dissimilar properties. This amino acid position is conserved. In addition, this alteration is predicted to be deleterious by in silico analysis. Based on the available evidence, the clinical significance of this alteration remains unclear.

Baylor Genetics
Classification: Uncertain significance for Colorectal cancer. Last evaluated: 2023-07-23. Review status: criteria provided, single submitter. Criteria: ACMG Guidelines, 2015. Collection method: clinical testing. Allele origin: unknown.

Quest Diagnostics Nichols Institute San Juan Capistrano
Classification: Uncertain significance. Last evaluated: 2023-07-13. Review status: criteria provided, single submitter. Criteria: Quest Diagnostics criteria. Collection method: clinical testing. Allele origin: unknown.
Comment: To the best of our knowledge, this variant has not been reported in the published literature. The frequency of this variant in the general population, 0.000004 (1/250702 chromosomes (Genome Aggregation Database)), is uninformative in the assessment of its pathogenicity. Analysis of this variant using bioinformatics tools for the prediction of the effect of amino acid changes on protein structure and function yielded conflicting predictions that this variant is deleterious or benign. Based on the available information, we are unable to determine the clinical significance of this variant.

Sema4
Classification: Uncertain significance for Hereditary cancer-predisposing syndrome. Last evaluated: 2021-06-07. Review status: criteria provided, single submitter. Criteria: Sema4 Curation Guidelines. Collection method: curation. Allele origin: germline.
Comment: The AXIN2 c.1069C>T (p.R357C) variant has not been reported in the literature to our knowledge. It was observed in 1/18394 chromosomes of the East Asian subpopulation in the large and broad cohorts of the Genome Aggregation Database (PMID: 32461654). This variant has been reported in ClinVar (Variation ID 533211). In silico tools suggest the impact of the variant on protein function is deleterious, though these predictions have not been confirmed by functional studies. The evidence is insufficient to meet ACMG/AMP criteria for classifying the variant as benign or pathogenic. Thus, the clinical significance of this variant is currently uncertain.

NM_004655.4(AXIN2):c.1069C>T (p.Arg357Cys)

Gene: AXIN2 (axin 2; minus strand). Cytogenetic location: 17q24.1.
Variant type: single nucleotide variant.
Coding change: c.1069C>T on transcript NM_004655.4 (MANE Select); coding-DNA position 1069, C replaced by T.
Protein change: p.Arg357Cys; replaces arginine 357 with cysteine.
Molecular consequence: missense variant.
Genome position (GRCh38, 1-based): chr17:65,538,334, G>A on the plus strand (C>T on the coding strand, the complement: AXIN2 is on the minus strand). VCF-style: chr17-65538334-G-A. GRCh37 (hg19) VCF-style: chr17-63534452-G-A.
Other names: c.1069C>T (LRG_296t1); c.1069C>T, p.Arg357Cys (NM_001363813.1); short protein forms R357C.
Identifiers: ClinVar variation 533211 (VCV000533211.15), dbSNP rs755884266, ClinGen allele CA8718866.